The following is an entry in ClinVar:

NM_024809.5(TCTN2):c.449C>G (p.Thr150Ser)

Gene: TCTN2 (tectonic family member 2; plus strand). Cytogenetic location: 12q24.31.
Variant type: single nucleotide variant.
Coding change: c.449C>G on transcript NM_024809.5 (MANE Select); coding-DNA position 449, C replaced by G.
Protein change: p.Thr150Ser; replaces threonine 150 with serine.
Molecular consequence: missense variant.
Genome position (GRCh38, 1-based): chr12:123,673,796, C>G. VCF-style: chr12-123673796-C-G. GRCh37 (hg19) VCF-style: chr12-124158343-C-G.
Other names: c.446C>G, p.Thr149Ser (NM_001143850.3); c.449C>G (NM_024809.3); short protein forms T149S, T150S.
Identifiers: ClinVar variation 1501853 (VCV001501853.6), dbSNP rs759741387, ClinGen allele CA6860890.

ClinVar aggregate classification (germline): Uncertain significance. Review status: criteria provided, multiple submitters, no conflicts (2 of 4 stars). 2 submissions from 2 submitters: Uncertain significance (2). Last evaluated 2025-02-09.

Conditions:
Inborn genetic diseases. Identifiers: MedGen C0950123, MeSH D030342.
Meckel-Gruber syndrome. Also called: DYSENCEPHALIA SPLANCHNOCYSTICA; GRUBER SYNDROME; Dysencephalia splachnocystica. Identifiers: Orphanet 564, MedGen C0265215, MONDO:0018921.
Joubert syndrome. Also called: CEREBELLOPARENCHYMAL DISORDER IV; JOUBERT-BOLTSHAUSER SYNDROME; Familial aplasia of the vermis. Identifiers: Orphanet 475, MedGen C5979921, MONDO:0018772.

Allele frequency attached by ClinVar (database versions not stated): gnomAD exomes below 0.00001; ExAC 0.00001; gnomAD 0.00003.
gnomAD v4.1: 17 of 1,614,004 alleles (0.0011%); highest among the groups gnomAD compares: Non-Finnish European, 0.0014%; no homozygotes.

Submissions (2):

Ambry Genetics
Classification: Uncertain significance for Inborn genetic diseases. Last evaluated: 2025-02-09. Review status: criteria provided, single submitter. Criteria: Ambry Variant Classification Scheme 2023. Collection method: clinical testing. Allele origin: germline.

Labcorp Genetics (formerly Invitae), Labcorp
Classification: Uncertain significance for Joubert syndrome; Meckel-Gruber syndrome. Last evaluated: 2022-07-05. Review status: criteria provided, single submitter. Criteria: Invitae Variant Classification Sherloc (09022015). Collection method: clinical testing. Allele origin: germline.
Comment: This sequence change replaces threonine, which is neutral and polar, with serine, which is neutral and polar, at codon 150 of the TCTN2 protein (p.Thr150Ser). This variant is present in population databases (rs759741387, gnomAD 0.0009%). This variant has not been reported in the literature in individuals affected with TCTN2-related conditions. ClinVar contains an entry for this variant (Variation ID: 1501853). Algorithms developed to predict the effect of missense changes on protein structure and function (SIFT, PolyPhen-2, Align-GVGD) all suggest that this variant is likely to be tolerated. In summary, the available evidence is currently insufficient to determine the role of this variant in disease. Therefore, it has been classified as a Variant of Uncertain Significance.